The following is an entry in ClinVar:

NM_000334.4(SCN4A):c.3465C>T (p.Gly1155=)

Genes: SCN4A (sodium voltage-gated channel alpha subunit 4; minus strand), GH-LCR (growth hormone locus control region; plus strand). Cytogenetic location: 17q23.3.
Variant type: single nucleotide variant.
Coding change: c.3465C>T on transcript NM_000334.4 (MANE Select); coding-DNA position 3465, C replaced by T.
Protein change: p.Gly1155=; no amino-acid change (glycine 1155 retained).
Molecular consequence: synonymous variant.
Genome position (GRCh38, 1-based): chr17:63,945,615, G>A on the plus strand (C>T on the coding strand, the complement: SCN4A is on the minus strand). VCF-style: chr17-63945615-G-A. GRCh37 (hg19) VCF-style: chr17-62022975-G-A.
Identifiers: ClinVar variation 507074 (VCV000507074.2), dbSNP rs566581547, ClinGen allele CA8709251.
Genomic context (GRCh38, chr17:63,945,615, plus strand): 5'-GCTGAAGATCAGCCAGAAGATGAGGCAGACAAGCAGCACATTCATGATGGAGGGGATGGC[G>A]CCTAGGAGGGCGTTCACCACCACCTGGGGGCCAGGGGGTCCATTGCCAGTGCCTCTCCCA-3'
Protein context (NP_000325.4, residues 1145-1165): GMRVVVNALL[Gly1155=]AIPSIMNVLL

ClinVar aggregate classification (germline): Likely benign. Review status: criteria provided, multiple submitters, no conflicts (2 of 4 stars). 2 submissions from 2 submitters: Likely benign (2). Last evaluated 2025-03-25.

Conditions:
Hyperkalemic periodic paralysis. Also called: Familial hyperkalemic periodic paralysis; Gamstorp disease. Identifiers: Orphanet 682, MedGen C0238357, MONDO:0008224, OMIM 170500, HP:0007215.

Allele frequency attached by ClinVar (database versions not stated): gnomAD 0.00001; gnomAD exomes 0.00001 and 0.00002; TOPMed 0.00001; ExAC 0.00002; 1000 Genomes Project 30x 0.00016; 1000 Genomes Project 0.00020.
gnomAD v4.1: 19 of 1,613,932 alleles (0.0012%); highest among the groups gnomAD compares: Middle Eastern, 0.016%; no homozygotes.

Submissions (2):

Labcorp Genetics (formerly Invitae), Labcorp
Classification: Likely benign for Hyperkalemic periodic paralysis. Last evaluated: 2025-03-25. Review status: criteria provided, single submitter. Criteria: Invitae Variant Classification Sherloc (09022015). Collection method: clinical testing. Allele origin: germline.

GeneDx
Classification: Likely benign. Last evaluated: 2017-01-31. Review status: criteria provided, single submitter. Criteria: GeneDx Variant Classification (06012015). Collection method: clinical testing. Allele origin: germline. Affected: yes.
Comment: This variant is considered likely benign or benign based on one or more of the following criteria: it is a conservative change, it occurs at a poorly conserved position in the protein, it is predicted to be benign by multiple in silico algorithms, and/or has population frequency not consistent with disease.